The following is an entry in ClinVar:

ClinVar aggregate classification (germline): Uncertain significance (1 of 4 stars; one submission).

Submission:

GeneDx
Classification: Uncertain significance. Last evaluated: 2025-05-14. Review status: criteria provided, single submitter. Criteria: GeneDx Variant Classification Process June 2021. Collection method: clinical testing. Allele origin: germline. Affected: yes.
Comment: Not observed at significant frequency in large population cohorts (gnomAD); In silico analysis suggests that this variant does not alter splicing; Has not been previously published as pathogenic or benign to our knowledge

NM_213655.5(WNK1):c.2142T>G (p.Pro714=)

Gene: WNK1 (WNK lysine deficient protein kinase 1; plus strand). Cytogenetic location: 12p13.33.
Variant type: single nucleotide variant.
Coding change: c.2142T>G on transcript NM_213655.5 (MANE Plus Clinical); coding-DNA position 2142, T replaced by G.
Protein change: p.Pro714=; no amino-acid change (proline 714 retained).
Molecular consequence: synonymous variant. On other transcripts: intron variant (3).
Genome position (GRCh38, 1-based): chr12:865,112, T>G. VCF-style: chr12-865112-T-G. GRCh37 (hg19) VCF-style: chr12-974278-T-G.
Other names: c.2140-2754T>G (NM_001184985.2); c.2139+2842T>G (NM_018979.4, NM_014823.3).
Identifiers: ClinVar variation 4529693 (VCV004529693.1).